The following is an entry in ClinVar:

NM_004618.5(TOP3A):c.2774C>T (p.Pro925Leu)

Gene: TOP3A (DNA topoisomerase III alpha; minus strand). Cytogenetic location: 17p11.2.
Variant type: single nucleotide variant.
Coding change: c.2774C>T on transcript NM_004618.5 (MANE Select); coding-DNA position 2774, C replaced by T.
Protein change: p.Pro925Leu; replaces proline 925 with leucine.
Molecular consequence: missense variant.
Genome position (GRCh38, 1-based): chr17:18,277,728, G>A on the plus strand (C>T on the coding strand, the complement: TOP3A is on the minus strand). VCF-style: chr17-18277728-G-A. GRCh37 (hg19) VCF-style: chr17-18181042-G-A.
Other names: c.2489C>T, p.Pro830Leu (NM_001320759.2); short protein forms P925L, P830L.
Identifiers: ClinVar variation 1913504 (VCV001913504.4), dbSNP rs373080718, ClinGen allele CA8429522.
Genomic context (GRCh38, chr17:18,277,728, plus strand): 5'-GCCTCACCTGGAGCGGTGTTCTCATCGACCCACTGGAAAAAGCCACACTGCTGCTCTCTC[G>A]GCTTGGCACATGTGTGGAACTGGCGCCCCTTGTTGGGTCCATCCTTCTGCACAGTCCGTG-3'
Protein context (NP_004609.1, residues 915-935): KGRQFHTCAK[Pro925Leu]REQQCGFFQW

ClinVar aggregate classification (germline): Uncertain significance. Review status: criteria provided, multiple submitters, no conflicts (2 of 4 stars). 2 submissions from 2 submitters: Uncertain significance (2). Last evaluated 2022-07-08.

Conditions:
Inborn genetic diseases. Identifiers: MedGen C0950123, MeSH D030342.

Allele frequency attached by ClinVar (database versions not stated): gnomAD 0.00003; TOPMed 0.00004; ExAC 0.00007; gnomAD exomes 0.00007; ESP Exome Variant Server 0.00008.
gnomAD v4.1: 106 of 1,613,784 alleles (0.0066%); highest among the groups gnomAD compares: Middle Eastern, 0.033%; no homozygotes.

Submissions (2):

Labcorp Genetics (formerly Invitae), Labcorp
Classification: Uncertain significance. Last evaluated: 2022-07-08. Review status: criteria provided, single submitter. Criteria: Invitae Variant Classification Sherloc (09022015). Collection method: clinical testing. Allele origin: germline.
Comment: In summary, the available evidence is currently insufficient to determine the role of this variant in disease. Therefore, it has been classified as a Variant of Uncertain Significance. Algorithms developed to predict the effect of missense changes on protein structure and function are either unavailable or do not agree on the potential impact of this missense change (SIFT: "Not Available"; PolyPhen-2: "Possibly Damaging"; Align-GVGD: "Not Available"). This variant has not been reported in the literature in individuals affected with TOP3A-related conditions. This variant is present in population databases (rs373080718, gnomAD 0.007%). This sequence change replaces proline, which is neutral and non-polar, with leucine, which is neutral and non-polar, at codon 925 of the TOP3A protein (p.Pro925Leu).

Ambry Genetics
Classification: Uncertain significance for Inborn genetic diseases. Last evaluated: 2022-05-11. Review status: criteria provided, single submitter. Criteria: Ambry Variant Classification Scheme 2023. Collection method: clinical testing. Allele origin: germline.